The following is an entry in ClinVar:

ClinVar aggregate classification (germline): Uncertain significance (1 of 4 stars; one submission).

Allele frequency attached by ClinVar (database versions not stated): TOPMed below 0.00001; gnomAD 0.00001; gnomAD exomes 0.00001.

Submission:

Labcorp Genetics (formerly Invitae), Labcorp
Classification: Uncertain significance. Last evaluated: 2023-10-13. Review status: criteria provided, single submitter. Criteria: Invitae Variant Classification Sherloc (09022015). Collection method: clinical testing. Allele origin: germline.
Comment: This sequence change replaces proline, which is neutral and non-polar, with alanine, which is neutral and non-polar, at codon 626 of the MCM4 protein (p.Pro626Ala). This variant is present in population databases (rs549272309, gnomAD 0.002%). This variant has not been reported in the literature in individuals affected with MCM4-related conditions. ClinVar contains an entry for this variant (Variation ID: 1405607). Advanced modeling of protein sequence and biophysical properties (such as structural, functional, and spatial information, amino acid conservation, physicochemical variation, residue mobility, and thermodynamic stability) performed at Invitae indicates that this missense variant is not expected to disrupt MCM4 protein function. In summary, the available evidence is currently insufficient to determine the role of this variant in disease. Therefore, it has been classified as a Variant of Uncertain Significance.

NM_182746.3(MCM4):c.1876C>G (p.Pro626Ala)

Gene: MCM4 (minichromosome maintenance complex component 4; plus strand). Cytogenetic location: 8q11.21.
Variant type: single nucleotide variant.
Coding change: c.1876C>G on transcript NM_182746.3 (MANE Select); coding-DNA position 1876, C replaced by G.
Protein change: p.Pro626Ala; replaces proline 626 with alanine.
Molecular consequence: missense variant.
Genome position (GRCh38, 1-based): chr8:47,971,416, C>G. VCF-style: chr8-47971416-C-G. GRCh37 (hg19) VCF-style: chr8-48883976-C-G.
Other names: c.1876C>G, p.Pro626Ala (NM_005914.4); short protein forms P626A.
Identifiers: ClinVar variation 1405607 (VCV001405607.8), dbSNP rs549272309, ClinGen allele CA176158158.